The following is an entry in ClinVar:

NM_006767.4(LZTR1):c.1759G>C (p.Ala587Pro)

Gene: LZTR1 (leucine zipper like post translational regulator 1; plus strand). Cytogenetic location: 22q11.21.
Variant type: single nucleotide variant.
Coding change: c.1759G>C on transcript NM_006767.4 (MANE Select); coding-DNA position 1759, G replaced by C.
Protein change: p.Ala587Pro; replaces alanine 587 with proline.
Molecular consequence: missense variant.
Genome position (GRCh38, 1-based): chr22:20,994,701, G>C. VCF-style: chr22-20994701-G-C. GRCh37 (hg19) VCF-style: chr22-21348990-G-C.
Other names: short protein forms A587P.
Identifiers: ClinVar variation 3680461 (VCV003680461.2).
Genomic context (GRCh38, chr22:20,994,701, plus strand): 5'-CGCCAGTACATCGAGGCCTCCGTGGACCTGCAGAACGTGCTGGTTGTGTGCGAGAGTGCC[G>C]CCCGGCTGCAGCTGAGCCAACTCAAGGTGTGGGGTGGGGTCAGCGCAATCAGGGTTGGGT-3'
Protein context (NP_006758.2, residues 577-597): QNVLVVCESA[Ala587Pro]RLQLSQLKEH

ClinVar aggregate classification (germline): Uncertain significance (1 of 4 stars; one submission).

Submission:

Labcorp Genetics (formerly Invitae), Labcorp
Classification: Uncertain significance. Last evaluated: 2024-02-25. Review status: criteria provided, single submitter. Criteria: Invitae Variant Classification Sherloc (09022015). Collection method: clinical testing. Allele origin: germline.
Comment: This sequence change replaces alanine, which is neutral and non-polar, with proline, which is neutral and non-polar, at codon 587 of the LZTR1 protein (p.Ala587Pro). This variant is not present in population databases (gnomAD no frequency). This variant has not been reported in the literature in individuals affected with LZTR1-related conditions. Advanced modeling of protein sequence and biophysical properties (such as structural, functional, and spatial information, amino acid conservation, physicochemical variation, residue mobility, and thermodynamic stability) performed at Invitae indicates that this missense variant is not expected to disrupt LZTR1 protein function with a negative predictive value of 80%. In summary, the available evidence is currently insufficient to determine the role of this variant in disease. Therefore, it has been classified as a Variant of Uncertain Significance.